The following is an entry in ClinVar:

NM_000152.5(GAA):c.2245dup (p.Ala749fs)

Gene: GAA (alpha glucosidase; plus strand). Cytogenetic location: 17q25.3.
Variant type: Duplication.
Coding change: c.2245dup on transcript NM_000152.5 (MANE Select); coding-DNA position 2245, one base duplicated (G; older notation c.2245dupG).
Protein change: p.Ala749fs; shifts the reading frame from alanine 749.
Molecular consequence: frameshift variant.
Genome position (GRCh38, 1-based): chr17:80,117,023, G duplicated; the last of 2 consecutive G bases (chr17:80,117,022-80,117,023); duplicating either gives the same sequence. VCF-style (leftmost placement, unchanged base first): chr17-80117021-A-AG. GRCh37 (hg19) VCF-style: chr17-78090820-A-AG.
Other names: c.2245dup, p.Ala749fs (NM_001079803.3, NM_001079804.3, NM_001406741.1 and 1 more transcripts); short protein forms A749fs.
Identifiers: ClinVar variation 4876445 (VCV004876445.1).
Genomic context (GRCh38, chr17:80,117,021, plus strand): 5'-CTTGCAGGTTCCCCAAGGACTCTAGCACCTGGACTGTGGACCACCAGCTCCTGTGGGGGG[A>AG]GGCCCTGCTCATCACCCCAGTGCTCCAGGCCGGGAAGGCCGAAGTGACTGGCTACTTCCC-3'

ClinVar aggregate classification (germline): Pathogenic (1 of 4 stars; one submission).

Conditions:
Glycogen storage disease, type II (IOPD). Also called: Pompe Disease; CARDIOMEGALIA GLYCOGENICA DIFFUSA; GLYCOGENOSIS, GENERALIZED, CARDIAC FORM; GSD II; POMPE DISEASE, INFANTILE-ONSET; GLYCOGEN STORAGE DISEASE II, INFANTILE-ONSET. Identifiers: Orphanet 365, MedGen C0017921, MONDO:0009290, OMIM 232300.

Submission:

Genomenon, Inc
Classification: Pathogenic for Glycogen storage disease, type II. Last evaluated: 2026-07-01. Review status: criteria provided, single submitter. Criteria: Genomenon Sequence Variant Interpretation Standards - Updated. Collection method: curation. Allele origin: germline. Affected: yes.
Comment: GAA p.Ala749GlyfsTer47 (c.2245dup) is a frameshift variant that is predicted to introduce a premature termination codon and result in a truncated or absent protein product. This variant has been observed in at least one proband with a GAA-related disorder (PMID:9535769). It is absent or not present at a significant frequency in gnomAD. In conclusion, we classify GAA p.Ala749GlyfsTer47 (c.2245dup) as a pathogenic variant.

Literature cited by the submitters: PubMed 9535769.